The following is an entry in ClinVar:

NM_014141.6(CNTNAP2):c.1370A>G (p.Gln457Arg)

Gene: CNTNAP2 (contactin associated protein 2; plus strand). Cytogenetic location: 7q35.
Variant type: single nucleotide variant.
Coding change: c.1370A>G on transcript NM_014141.6 (MANE Select); coding-DNA position 1370, A replaced by G.
Protein change: p.Gln457Arg; replaces glutamine 457 with arginine.
Molecular consequence: missense variant.
Genome position (GRCh38, 1-based): chr7:147,300,162, A>G. VCF-style: chr7-147300162-A-G. GRCh37 (hg19) VCF-style: chr7-146997254-A-G.
Other names: c.1370A>G (NM_014141.5); short protein forms Q457R.
Identifiers: ClinVar variation 1439537 (VCV001439537.9), dbSNP rs1794916852, ClinGen allele CA369925080.

ClinVar aggregate classification (germline): Uncertain significance. Review status: criteria provided, multiple submitters, no conflicts (2 of 4 stars). 2 submissions from 2 submitters: Uncertain significance (2). Last evaluated 2024-06-07.

Conditions:
Inborn genetic diseases. Identifiers: MedGen C0950123, MeSH D030342.
Cortical dysplasia-focal epilepsy syndrome (PTHSL1). Also called: Pitt-Hopkins-like syndrome 1. Identifiers: Orphanet 163681, Orphanet 221150, MedGen C2750246, MONDO:0012400, OMIM 610042.

Allele frequency attached by ClinVar (database versions not stated): TOPMed below 0.00001; gnomAD 0.00001.
gnomAD v4.1: 1 of 1,613,944 alleles (0.000062%); highest among the groups gnomAD compares: Admixed American, 0.0017%; no homozygotes.

Submissions (2):

Ambry Genetics
Classification: Uncertain significance for Inborn genetic diseases. Last evaluated: 2024-06-07. Review status: criteria provided, single submitter. Criteria: Ambry Variant Classification Scheme 2023. Collection method: clinical testing. Allele origin: germline.

Labcorp Genetics (formerly Invitae), Labcorp
Classification: Uncertain significance for Cortical dysplasia-focal epilepsy syndrome. Last evaluated: 2024-01-08. Review status: criteria provided, single submitter. Criteria: Invitae Variant Classification Sherloc (09022015). Collection method: clinical testing. Allele origin: germline.
Comment: This sequence change replaces glutamine, which is neutral and polar, with arginine, which is basic and polar, at codon 457 of the CNTNAP2 protein (p.Gln457Arg). This variant is not present in population databases (gnomAD no frequency). This variant has not been reported in the literature in individuals affected with CNTNAP2-related conditions. ClinVar contains an entry for this variant (Variation ID: 1439537). An algorithm developed to predict the effect of missense changes on protein structure and function (PolyPhen-2) suggests that this variant is likely to be tolerated. In summary, the available evidence is currently insufficient to determine the role of this variant in disease. Therefore, it has been classified as a Variant of Uncertain Significance.